The following is an entry in ClinVar:

NM_000384.3(APOB):c.3379C>A (p.Pro1127Thr)

Gene: APOB (apolipoprotein B; minus strand). Cytogenetic location: 2p24.1.
Variant type: single nucleotide variant.
Coding change: c.3379C>A on transcript NM_000384.3 (MANE Select); coding-DNA position 3379, C replaced by A.
Protein change: p.Pro1127Thr; replaces proline 1127 with threonine.
Molecular consequence: missense variant.
Genome position (GRCh38, 1-based): chr2:21,015,499, G>T on the plus strand (C>A on the coding strand, the complement: APOB is on the minus strand). VCF-style: chr2-21015499-G-T. GRCh37 (hg19) VCF-style: chr2-21238371-G-T.
Other names: short protein forms P1127T.
Identifiers: ClinVar variation 4613645 (VCV004613645.1).

ClinVar aggregate classification (germline): Uncertain significance (1 of 4 stars; one submission).

Conditions:
Cardiovascular phenotype. Identifiers: MedGen CN230736.

gnomAD v4.1: 1 of 1,614,000 alleles (0.000062%); highest among the groups gnomAD compares: Non-Finnish European, 0.000085%; no homozygotes.

Submission:

Ambry Genetics
Classification: Uncertain significance for Cardiovascular phenotype. Last evaluated: 2025-09-25. Review status: criteria provided, single submitter. Criteria: Ambry Variant Classification Scheme 2023. Collection method: clinical testing. Allele origin: germline.
Comment: The p.P1127T variant (also known as c.3379C>A), located in coding exon 22 of the APOB gene, results from a C to A substitution at nucleotide position 3379. The proline at codon 1127 is replaced by threonine, an amino acid with highly similar properties. This amino acid position is conserved. In addition, the in silico prediction for this alteration is inconclusive. Based on the available evidence, the clinical significance of this variant remains unclear.